The following is an entry in ClinVar:

NM_006031.6(PCNT):c.8996+45C>A

Gene: PCNT (pericentrin; plus strand). Cytogenetic location: 21q22.3.
Variant type: single nucleotide variant.
Coding change: c.8996+45C>A on transcript NM_006031.6 (MANE Select); 45 bases into the intron after coding-DNA position 8996, C replaced by A.
Molecular consequence: intron variant.
Genome position (GRCh38, 1-based): chr21:46,436,193, C>A. VCF-style: chr21-46436193-C-A. GRCh37 (hg19) VCF-style: chr21-47856106-C-A.
Other names: c.8405+45C>A (NM_001315529.2).
Identifiers: ClinVar variation 159685 (VCV000159685.9), dbSNP rs2236616, ClinGen allele CA173137.

ClinVar aggregate classification (germline): Benign. Review status: criteria provided, multiple submitters, no conflicts (2 of 4 stars). 4 submissions from 4 submitters: Benign (3). 1 of the submissions does not count toward it. Last evaluated 2021-09-05.

Conditions:
Microcephalic osteodysplastic primordial dwarfism type II (MOPD2). Also called: Microcephalic osteodysplastic primordial dwarfism with tooth abnormalities; MOPD II; OSTEODYSPLASTIC PRIMORDIAL DWARFISM, TYPE II. Identifiers: Orphanet 2637, MedGen C0432246, MONDO:0008872, OMIM 210720.

Allele frequency attached by ClinVar (database versions not stated): ESP Exome Variant Server 0.29821; 1000 Genomes Project 30x 0.30746; 1000 Genomes Project 0.31270; gnomAD 0.33111; ExAC 0.35946; TOPMed 0.32339.
gnomAD v4.1: 599,346 of 1,596,002 alleles (38%); highest among the groups gnomAD compares: East Asian, 45%; 115,081 homozygotes.

Submissions (4):

Genome-Nilou Lab
Classification: Benign for Microcephalic osteodysplastic primordial dwarfism type II. Last evaluated: 2021-09-05. Review status: criteria provided, single submitter. Criteria: ACMG Guidelines, 2015. Collection method: clinical testing. Allele origin: germline. Affected: no.

GeneDx
Classification: Benign. Last evaluated: 2018-06-16. Review status: criteria provided, single submitter. Criteria: GeneDx Variant Classification (06012015). Collection method: clinical testing. Allele origin: germline. Affected: yes.
Comment: This variant is considered likely benign or benign based on one or more of the following criteria: it is a conservative change, it occurs at a poorly conserved position in the protein, it is predicted to be benign by multiple in silico algorithms, and/or has population frequency not consistent with disease.

Breakthrough Genomics
Classification: Benign. Review status: criteria provided, single submitter. Criteria: ACMG Guidelines, 2015. Collection method: not provided. Allele origin: germline. Inheritance: Autosomal recessive inheritance. Affected: yes.

Genetic Services Laboratory, University of Chicago
Classification: Likely benign. Review status: no assertion criteria provided. Collection method: clinical testing. Allele origin: germline. Inheritance: Autosomal recessive inheritance. Not counted in ClinVar's aggregate classification.
Comment: Likely benign based on allele frequency in 1000 Genomes Project or ESP global frequency and its presence in a patient with a rare or unrelated disease phenotype. NOT Sanger confirmed